The following is an entry in ClinVar:

NM_198391.3(FLRT3):c.1802A>G (p.Asn601Ser)

Genes: FLRT3 (fibronectin leucine rich transmembrane protein 3; minus strand), MACROD2 (mono-ADP ribosylhydrolase 2; plus strand). Cytogenetic location: 20p12.1.
Variant type: single nucleotide variant.
Coding change: c.1802A>G on transcript NM_198391.3 (MANE Select); coding-DNA position 1802, A replaced by G.
Protein change: p.Asn601Ser; replaces asparagine 601 with serine.
Molecular consequence: missense variant. On other transcripts: intron variant (3).
Genome position (GRCh38, 1-based): chr20:14,325,705, T>C on the plus strand (A>G on the coding strand, the complement: FLRT3 is on the minus strand). VCF-style: chr20-14325705-T-C. GRCh37 (hg19) VCF-style: chr20-14306351-T-C.
Other names: c.1802A>G, p.Asn601Ser (NM_013281.4); c.272-167774T>C (NM_001351661.2, NM_001351663.2, NM_080676.6); short protein forms N601S.
Identifiers: ClinVar variation 3902698 (VCV003902698.1).
Genomic context (GRCh38, chr20:14,325,705, plus strand): 5'-TTCATTCCATTAGGAGGAAATATGGTGTGTATTACAAACTCCTCCTTCGAGATGGGTTCA[T>C]TGCTTATTGGTAACATCTGAAAAGAAGTTTCCCTGATTTCCAGGATAGAGTTGTCCTTCT-3'
Protein context (NP_938205.1, residues 591-611): ETSFQMLPIS[Asn601Ser]EPISKEEFVI

ClinVar aggregate classification (germline): Uncertain significance (1 of 4 stars; one submission).

gnomAD v4.1: 92 of 1,613,846 alleles (0.0057%); highest among the groups gnomAD compares: Non-Finnish European, 0.0074%; no homozygotes.

Submission:

Women's Health and Genetics/Laboratory Corporation of America, LabCorp
Classification: Uncertain significance. Last evaluated: 2025-05-27. Review status: criteria provided, single submitter. Criteria: LabCorp Variant Classification Summary - May 2015. Collection method: clinical testing. Allele origin: germline.
Comment: Variant summary: FLRT3 c.1802A>G (p.Asn601Ser) results in a conservative amino acid change in the encoded protein sequence. Algorithms developed to predict the effect of missense changes on protein structure and function are either unavailable or do not agree on the potential impact of this missense change. The variant allele was found at a frequency of 8e-06 in 250938 control chromosomes. The available data on variant occurrences in the general population are insufficient to allow any conclusion about variant significance. To our knowledge, no occurrence of c.1802A>G in individuals affected with Hypogonadotropic Hypogonadism 21 With Or Without Anosmia and no experimental evidence demonstrating its impact on protein function have been reported. No submitters have cited clinical-significance assessments for this variant to ClinVar. Based on the evidence outlined above, the variant was classified as uncertain significance.